The following is an entry in ClinVar:

ClinVar aggregate classification (germline): Uncertain significance (1 of 4 stars; one submission).

Submission:

Ambry Genetics
Classification: Uncertain significance. Last evaluated: 2026-06-09. Review status: criteria provided, single submitter. Criteria: Ambry Variant Classification Scheme 2023. Collection method: clinical testing. Allele origin: germline.
Comment: The c.1672C>G (p.P558A) alteration is located in exon 15 (coding exon 15) of the GOLGA6B gene. This alteration results from a C to G substitution at nucleotide position 1672, causing the proline (P) at amino acid position 558 to be replaced by an alanine (A). Based on data from gnomAD, the G allele has an overall frequency of <0.001% (0/90350) total alleles studied. The highest observed frequency was <0.001% (/) of alleles. Based on insufficient or conflicting evidence, the clinical significance of this alteration remains unclear.

NM_018652.5(GOLGA6B):c.1672C>G (p.Pro558Ala)

Gene: GOLGA6B (golgin A6 family member B; plus strand). Cytogenetic location: 15q24.1.
Variant type: single nucleotide variant.
Coding change: c.1672C>G on transcript NM_018652.5 (MANE Select); coding-DNA position 1672, C replaced by G.
Protein change: p.Pro558Ala; replaces proline 558 with alanine.
Molecular consequence: missense variant.
Genome position (GRCh38, 1-based): chr15:72,665,674, C>G. VCF-style: chr15-72665674-C-G. GRCh37 (hg19) VCF-style: chr15-72958015-C-G.
Other names: short protein forms P558A.
Identifiers: ClinVar variation 4858135 (VCV004858135.1).